The following is an entry in ClinVar:

ClinVar aggregate classification (germline): Likely pathogenic (1 of 4 stars; one submission).

Conditions:
IFT27-related disorder. Also called: IFT27-related condition.

gnomAD v4.1: 13 of 1,592,798 alleles (0.00082%); highest among the groups gnomAD compares: African/African-American, 0.0013%; no homozygotes.

Submission:

PreventionGenetics, part of Exact Sciences
Classification: Likely pathogenic for IFT27-related condition. Last evaluated: 2026-07-09. Review status: criteria provided, single submitter. Criteria: ACMG Guidelines, 2015. Collection method: clinical testing. Allele origin: germline.
Comment: The IFT27 c.350-1G>A variant is predicted to disrupt the AG splice acceptor site and interfere with normal splicing. To our knowledge, this variant has not been reported in the literature. This variant is reported in 0.00090% of alleles in individuals of European (Non-Finnish) descent in gnomAD. An alternate variant at this same splice site (c.350-2 A>G) has been reported in the compound heterozygous state in an individual with cone-rod dystrophy, polydactyly, maturation and learning delay, obesity, and chronic renal failure (Sanchez-Navarro et al. 2018. PubMed ID: 29588463). Variants that disrupt the consensus splice acceptor site in IFT27 are expected to be pathogenic. This variant is interpreted as likely pathogenic.

NM_001177701.3(IFT27):c.353-1G>A

Genes: CACNG2-DT (CACNG2 divergent transcript; plus strand), IFT27 (intraflagellar transport 27; minus strand). Cytogenetic location: 22q12.3.
Variant type: single nucleotide variant.
Coding change: c.353-1G>A on transcript NM_001177701.3 (MANE Select); the canonical splice acceptor site of the intron before coding-DNA position 353, G replaced by A.
Molecular consequence: splice acceptor variant.
Genome position (GRCh38, 1-based): chr22:36,763,014, C>T on the plus strand (G>A on the coding strand, the complement: IFT27 is on the minus strand). VCF-style: chr22-36763014-C-T. GRCh37 (hg19) VCF-style: chr22-37159058-C-T.
Other names: c.353-1G>A (NM_001363003.2); c.350-1G>A (NM_006860.5).
Identifiers: ClinVar variation 4979808 (VCV004979808.1).
Genomic context (GRCh38, chr22:36,763,014, plus strand): 5'-CCTCAGCTGAGTCCACTGCTCGTCTGCCGGCCAGGTCTGTCTTGTTCCCAACTAAAACAC[C>T]TACTCAGAAGAAACAACCAAAATATGGCACTTCACTGTCACACTCTGGAAGGACAGCGGG-3'